The following is an entry in ClinVar:

ClinVar aggregate classification (germline): Pathogenic (1 of 4 stars; one submission).

Submission:

Labcorp Genetics (formerly Invitae), Labcorp
Classification: Pathogenic. Last evaluated: 2022-05-25. Review status: criteria provided, single submitter. Criteria: Invitae Variant Classification Sherloc (09022015). Collection method: clinical testing. Allele origin: germline.
Comment: For these reasons, this variant has been classified as Pathogenic. This variant has not been reported in the literature in individuals affected with VPS13A-related conditions. This variant is a gross deletion of the genomic region encompassing exon(s) 51-52 of the VPS13A gene. This deletion is out-of-frame, and is expected to create a premature termination codon and result in an absent or disrupted protein product. Loss-of-function variants in VPS13A are known to be pathogenic (PMID: 12404112, 21598378).

Literature cited by the submitters: PubMed 12404112; PubMed 21598378.

NC_000009.11:g.(?_79959059)_(79960068_?)del

Gene: VPS13A (vacuolar protein sorting 13 homolog A; plus strand). Cytogenetic location: 9q21.2.
Variant type: Deletion.
Identifiers: ClinVar variation 2427128 (VCV002427128.4).